The following is an entry in ClinVar:

NM_001845.6(COL4A1):c.3907T>A (p.Ser1303Thr)

Gene: COL4A1 (collagen type IV alpha 1 chain; minus strand). Cytogenetic location: 13q34.
Variant type: single nucleotide variant.
Coding change: c.3907T>A on transcript NM_001845.6 (MANE Select); coding-DNA position 3907, T replaced by A.
Protein change: p.Ser1303Thr; replaces serine 1303 with threonine.
Molecular consequence: missense variant.
Genome position (GRCh38, 1-based): chr13:110,167,200, A>T on the plus strand (T>A on the coding strand, the complement: COL4A1 is on the minus strand). VCF-style: chr13-110167200-A-T. GRCh37 (hg19) VCF-style: chr13-110819547-A-T.
Other names: short protein forms S1303T.
Identifiers: ClinVar variation 2440305 (VCV002440305.4), dbSNP rs2501752066, ClinGen allele CA388661312.

ClinVar aggregate classification (germline): Uncertain significance. Review status: criteria provided, multiple submitters, no conflicts (2 of 4 stars). 2 submissions from 2 submitters: Uncertain significance (2). Last evaluated 2026-05-21.

Allele frequency attached by ClinVar (database versions not stated): gnomAD exomes below 0.00001.
gnomAD v4.1: 1 of 1,613,950 alleles (0.000062%); highest among the groups gnomAD compares: Admixed American, 0.0017%; no homozygotes.

Submissions (2):

Women's Health and Genetics/Laboratory Corporation of America, LabCorp
Classification: Uncertain significance. Last evaluated: 2026-05-21. Review status: criteria provided, single submitter. Criteria: LabCorp Variant Classification Summary - May 2015. Collection method: clinical testing. Allele origin: germline.
Comment: Variant summary: COL4A1 c.3907T>A (p.Ser1303Thr) results in a conservative amino acid change in the encoded protein sequence. Algorithms developed to predict the effect of missense changes on protein structure and function all suggest that this variant is likely to be tolerated. The variant was absent in 251426 control chromosomes. The available data on variant occurrences in the general population are insufficient to allow any conclusion about variant significance. To our knowledge, no occurrence of c.3907T>A in individuals affected with COL4A1-related conditions and no experimental evidence demonstrating its impact on protein function have been reported. ClinVar contains an entry for this variant (Variation ID: 2440305). Based on the evidence outlined above, the variant was classified as uncertain significance.

Revvity Omics, Revvity
Classification: Uncertain significance. Last evaluated: 2022-11-14. Review status: criteria provided, single submitter. Criteria: ACMG Guidelines, 2015. Collection method: clinical testing. Allele origin: germline.